The following is an entry in ClinVar:

GRCh38/hg38 9p24.3(chr9:839152-2094920)x3

Genes: DMRT1 (doublesex and mab-3 related transcription factor 1; plus strand), DMRT2 (doublesex and mab-3 related transcription factor 2; plus strand), DMRT3 (doublesex and mab-3 related transcription factor 3; plus strand), LINC01230 (long intergenic non-protein coding RNA 1230; plus strand), SMARCA2 (SWI/SNF related, matrix associated, actin dependent regulator of chromatin, subfamily a, member 2; plus strand) and 26 more. Cytogenetic location: 9p24.3.
Variant type: copy number gain.
Change: copy number 3 (three copies instead of two) of chr9:839,152-2,094,920 (1.26 Mb, GRCh38 coordinates, 1-based), cytogenetic band 9p24.3.
Identifiers: ClinVar variation 57235 (VCV000057235.1).

ClinVar aggregate classification (germline): Uncertain significance (1 of 4 stars; one submission).

Submission:

ISCA site 4
Classification: Uncertain significance. Last evaluated: 2011-08-12. Review status: criteria provided, single submitter. Criteria: Kaminsky et al. (Genet Med. 2011). Collection method: clinical testing. Allele origin: maternal. Affected: yes. Observed: 1 variant allele.
Comment: Copy number variation identified through the course of routine clinical cytogenomic testing in postnatal populations. Clinical assertions have been curated as described in Kaminsky et al. 2011.